The following is an entry in ClinVar:

NM_001039886.4(ZNF808):c.2428_2429del (p.His809_Ile810insTer)

Gene: ZNF808 (zinc finger protein 808; plus strand). Cytogenetic location: 19q13.41.
Variant type: Microsatellite.
Coding change: c.2428_2429del on transcript NM_001039886.4 (MANE Select); coding-DNA positions 2428 to 2429, 2 bases deleted (AT; older notation c.2428_2429delAT).
Protein change: p.His809_Ile810insTer.
Molecular consequence: nonsense.
Genome position (GRCh38, 1-based): chr19:52,555,344-52,555,345, AT deleted; deleting any 2 consecutive bases within chr19:52,555,342-52,555,345 gives the same sequence; the c. name uses the placement nearest the transcript's 3' end. VCF-style (leftmost placement, unchanged base first): chr19-52555341-CAT-C. GRCh37 (hg19) VCF-style: chr19-53058594-CAT-C.
Other names: c.2428_2429del, p.His809_Ile810insTer (NM_001321424.2, NM_001321425.2); c.2221_2222del, p.His740_Ile741insTer (NM_001363550.2).
Identifiers: ClinVar variation 4527092 (VCV004527092.1).

ClinVar aggregate classification (germline): Uncertain significance (1 of 4 stars; one submission).

Submission:

GeneDx
Classification: Uncertain significance. Last evaluated: 2025-04-18. Review status: criteria provided, single submitter. Criteria: GeneDx Variant Classification Process June 2021. Collection method: clinical testing. Allele origin: germline. Affected: yes.
Comment: Nonsense variant predicted to result in protein truncation as the last 94 amino acid(s) are lost with an unclear effect on protein function; Not observed at significant frequency in large population cohorts (gnomAD); Has not been previously published as pathogenic or benign to our knowledge